The following is an entry in ClinVar:

ClinVar aggregate classification (germline): Uncertain significance (1 of 4 stars; one submission).

Allele frequency attached by ClinVar (database versions not stated): TOPMed below 0.00001; gnomAD exomes 0.00001; ExAC 0.00002.
gnomAD v4.1: 11 of 1,614,110 alleles (0.00068%); highest among the groups gnomAD compares: Admixed American, 0.005%; no homozygotes.

Submission:

Labcorp Genetics (formerly Invitae), Labcorp
Classification: Uncertain significance. Last evaluated: 2026-01-26. Review status: criteria provided, single submitter. Criteria: Invitae Variant Classification Sherloc (09022015). Collection method: clinical testing. Allele origin: germline.
Comment: This sequence change replaces aspartic acid, which is acidic and polar, with glutamic acid, which is acidic and polar, at codon 792 of the AP3D1 protein (p.Asp792Glu). This variant is present in population databases (rs745451033, gnomAD 0.009%). This variant has not been reported in the literature in individuals affected with AP3D1-related conditions. ClinVar contains an entry for this variant (Variation ID: 1916964). An algorithm developed to predict the effect of missense changes on protein structure and function (PolyPhen-2) suggests that this variant is likely to be tolerated. In summary, the available evidence is currently insufficient to determine the role of this variant in disease. Therefore, it has been classified as a Variant of Uncertain Significance.

NM_001261826.3(AP3D1):c.2376C>G (p.Asp792Glu)

Gene: AP3D1 (adaptor related protein complex 3 subunit delta 1; minus strand). Cytogenetic location: 19p13.3.
Variant type: single nucleotide variant.
Coding change: c.2376C>G on transcript NM_001261826.3 (MANE Select); coding-DNA position 2376, C replaced by G.
Protein change: p.Asp792Glu; replaces aspartic acid 792 with glutamic acid.
Molecular consequence: missense variant.
Genome position (GRCh38, 1-based): chr19:2,114,795, G>C on the plus strand (C>G on the coding strand, the complement: AP3D1 is on the minus strand). VCF-style: chr19-2114795-G-C. GRCh37 (hg19) VCF-style: chr19-2114794-G-C.
Other names: c.2376C>G, p.Asp792Glu (NM_001374799.1, NM_003938.8); short protein forms D792E.
Identifiers: ClinVar variation 1916964 (VCV001916964.5), dbSNP rs745451033, ClinGen allele CA9058887.